The following is an entry in ClinVar:

NM_001999.4(FBN2):c.2242A>T (p.Asn748Tyr)

Gene: FBN2 (fibrillin 2; minus strand). Cytogenetic location: 5q23.3.
Variant type: single nucleotide variant.
Coding change: c.2242A>T on transcript NM_001999.4 (MANE Select); coding-DNA position 2242, A replaced by T.
Protein change: p.Asn748Tyr; replaces asparagine 748 with tyrosine.
Molecular consequence: missense variant.
Genome position (GRCh38, 1-based): chr5:128,369,188, T>A on the plus strand (A>T on the coding strand, the complement: FBN2 is on the minus strand). VCF-style: chr5-128369188-T-A. GRCh37 (hg19) VCF-style: chr5-127704881-T-A.
Other names: short protein forms N748Y.
Identifiers: ClinVar variation 3372970 (VCV003372970.3).

ClinVar aggregate classification (germline): Conflicting classifications of pathogenicity. Review status: criteria provided, conflicting classifications (1 of 4 stars). 2 submissions from 2 submitters: Uncertain significance (1); Likely benign (1). Last evaluated 2024-11-04.

Conditions:
Congenital contractural arachnodactyly (CCA). Also called: Arthrogryposis, distal, type 9; BEALS SYNDROME; Beals-Hecht syndrome. Identifiers: Orphanet 115, MedGen C0220668, MONDO:0007363, OMIM 121050.

gnomAD v4.1: 3 of 1,614,150 alleles (0.00019%); highest among the groups gnomAD compares: Admixed American, 0.0033%; no homozygotes.

Submissions (2):

Labcorp Genetics (formerly Invitae), Labcorp
Classification: Likely benign for Congenital contractural arachnodactyly. Last evaluated: 2024-11-04. Review status: criteria provided, single submitter. Criteria: Invitae Variant Classification Sherloc (09022015). Collection method: clinical testing. Allele origin: germline.

GeneDx
Classification: Uncertain significance. Last evaluated: 2024-04-22. Review status: criteria provided, single submitter. Criteria: GeneDx Variant Classification Process June 2021. Collection method: clinical testing. Allele origin: germline. Affected: yes.
Comment: Not observed at significant frequency in large population cohorts (gnomAD); In silico analysis supports that this missense variant has a deleterious effect on protein structure/function; Has not been previously published as pathogenic or benign to our knowledge